The following is an entry in ClinVar:

ClinVar aggregate classification (germline): Uncertain significance (1 of 4 stars; one submission).

Conditions:
POLD1-related polyposis and colorectal cancer syndrome (CRCS10). Also called: Colorectal cancer 10; COLORECTAL CANCER, SUSCEPTIBILITY TO, ON CHROMOSOME 19q; Colorectal cancer, susceptibility to, 10. Identifiers: Orphanet 220460, MedGen C2675481, MONDO:0012953, OMIM 612591.

Submission:

Labcorp Genetics (formerly Invitae), Labcorp
Classification: Uncertain significance for POLD1-related polyposis and colorectal cancer syndrome. Last evaluated: 2018-05-30. Review status: criteria provided, single submitter. Criteria: Invitae Variant Classification Sherloc (09022015). Collection method: clinical testing. Allele origin: germline.
Comment: In summary, the available evidence is currently insufficient to determine the role of this variant in disease. Therefore, it has been classified as a Variant of Uncertain Significance. Algorithms developed to predict the effect of missense changes on protein structure and function (SIFT, PolyPhen-2, Align-GVGD) all suggest that this variant is likely to be tolerated, but these predictions have not been confirmed by published functional studies and their clinical significance is uncertain. This variant has not been reported in the literature in individuals with POLD1-related disease. This variant is not present in population databases (ExAC no frequency). This sequence change replaces histidine with glutamine at codon 1043 of the POLD1 protein (p.His1043Gln). The histidine residue is weakly conserved and there is a small physicochemical difference between histidine and glutamine.

NM_002691.4(POLD1):c.3129T>A (p.His1043Gln)

Gene: POLD1 (DNA polymerase delta 1, catalytic subunit; plus strand). Cytogenetic location: 19q13.33.
Variant type: single nucleotide variant.
Coding change: c.3129T>A on transcript NM_002691.4 (MANE Select); coding-DNA position 3129, T replaced by A.
Protein change: p.His1043Gln; replaces histidine 1043 with glutamine.
Molecular consequence: missense variant. On other transcripts: non-coding transcript variant (1).
Genome position (GRCh38, 1-based): chr19:50,417,180, T>A. VCF-style: chr19-50417180-T-A. GRCh37 (hg19) VCF-style: chr19-50920437-T-A.
Other names: c.3129T>A, p.His1043Gln (NM_001256849.1); c.3207T>A, p.His1069Gln (NM_001308632.1); short protein forms H1069Q, H1043Q.
Identifiers: ClinVar variation 568335 (VCV000568335.8), dbSNP rs1060504363, ClinGen allele CA406987264.